The following is an entry in ClinVar:

ClinVar aggregate classification (germline): Uncertain significance (1 of 4 stars; one submission).

gnomAD v4.1: 17 of 1,611,826 alleles (0.0011%); highest among the groups gnomAD compares: South Asian, 0.0099%; 1 homozygote.

Submission:

Ambry Genetics
Classification: Uncertain significance. Last evaluated: 2025-10-02. Review status: criteria provided, single submitter. Criteria: Ambry Variant Classification Scheme 2023. Collection method: clinical testing. Allele origin: germline.
Comment: The c.865C>T (p.R289W) alteration is located in exon 7 (coding exon 7) of the PXN gene. This alteration results from a C to T substitution at nucleotide position 865, causing the arginine (R) at amino acid position 289 to be replaced by a tryptophan (W). Based on data from gnomAD, the T allele has an overall frequency of 0.002% (5/274604) total alleles studied. The highest observed frequency was 0.01% (3/30472) of South Asian alleles. Based on insufficient or conflicting evidence, the clinical significance of this alteration remains unclear.

NM_001385981.1(PXN):c.2335C>T (p.Arg779Trp)

Gene: PXN (paxillin; minus strand). Cytogenetic location: 12q24.23.
Variant type: single nucleotide variant.
Coding change: c.2335C>T on transcript NM_001385981.1 (MANE Select); coding-DNA position 2335, C replaced by T.
Protein change: p.Arg779Trp; replaces arginine 779 with tryptophan.
Molecular consequence: missense variant. On other transcripts: intron variant (6).
Genome position (GRCh38, 1-based): chr12:120,215,628, G>A on the plus strand (C>T on the coding strand, the complement: PXN is on the minus strand). VCF-style: chr12-120215628-G-A. GRCh37 (hg19) VCF-style: chr12-120653431-G-A.
Other names: c.865C>T, p.Arg289Trp (NM_001080855.3, NM_001385988.1); c.2059C>T, p.Arg687Trp (NM_001385982.1); c.2053C>T, p.Arg685Trp (NM_001385983.1); c.1168C>T, p.Arg390Trp (NM_001385986.1); c.1174C>T, p.Arg392Trp (NM_001385987.1); c.859C>T, p.Arg287Trp (NM_001385989.1, NM_001410986.1); c.832-355C>T (NM_002859.4, NM_001385990.1); c.832-211C>T (NM_001243756.2); and 3 more; short protein forms R287W, R687W, R390W, R685W, R779W, R289W, R392W.
Identifiers: ClinVar variation 4574583 (VCV004574583.1).